The following is an entry in ClinVar:

ClinVar aggregate classification (germline): Uncertain significance. Review status: criteria provided, multiple submitters, no conflicts (2 of 4 stars). 3 submissions from 3 submitters: Uncertain significance (3). Last evaluated 2025-08-01.

Conditions:
Hereditary pheochromocytoma and paraganglioma. Also called: Hereditary pheochromocytoma-paraganglioma; Hereditary Paraganglioma-Pheochromocytoma Syndromes; Hereditary paragangliomas and pheochromocytomas. Identifiers: Orphanet 29072, MedGen C4274332, MONDO:0017366.
Hereditary cancer-predisposing syndrome. Also called: Hereditary neoplastic syndrome; Hereditary Cancer Syndrome; Tumor predisposition; Neoplastic Syndromes, Hereditary. Identifiers: Orphanet 140162, MedGen C0027672, MeSH D009386, MONDO:0015356.

Submissions (3):

Quest Diagnostics Nichols Institute San Juan Capistrano
Classification: Uncertain significance. Last evaluated: 2025-08-01. Review status: criteria provided, single submitter. Criteria: Quest Diagnostics criteria. Collection method: clinical testing. Allele origin: unknown.
Comment: The SDHAF2 c.14C>T (p.Thr5Ile) variant has not been reported in individuals with SDHAF2-related conditions in the published literature. This variant has not been reported in large, multi-ethnic general populations (Genome Aggregation Database). Analysis of this variant using bioinformatics tools for the prediction of the effect of amino acid changes on protein structure and function yielded predictions that this variant is benign. Based on the available information, we are unable to determine the clinical significance of this variant.

Ambry Genetics
Classification: Uncertain significance for Hereditary cancer-predisposing syndrome. Last evaluated: 2022-08-30. Review status: criteria provided, single submitter. Criteria: Ambry Variant Classification Scheme 2023. Collection method: clinical testing. Allele origin: germline.
Comment: The p.T5I variant (also known as c.14C>T), located in coding exon 1 of the SDHAF2 gene, results from a C to T substitution at nucleotide position 14. The threonine at codon 5 is replaced by isoleucine, an amino acid with similar properties. This amino acid position is poorly conserved in available vertebrate species. In addition, this alteration is predicted to be tolerated by in silico analysis. Since supporting evidence is limited at this time, the clinical significance of this alteration remains unclear.

Labcorp Genetics (formerly Invitae), Labcorp
Classification: Uncertain significance for Hereditary pheochromocytoma and paraganglioma. Last evaluated: 2019-09-24. Review status: criteria provided, single submitter. Criteria: Invitae Variant Classification Sherloc (09022015). Collection method: clinical testing. Allele origin: germline.
Comment: This variant is not present in population databases (ExAC no frequency). In summary, the available evidence is currently insufficient to determine the role of this variant in disease. Therefore, it has been classified as a Variant of Uncertain Significance. Algorithms developed to predict the effect of missense changes on protein structure and function (SIFT, PolyPhen-2, Align-GVGD) all suggest that this variant is likely to be tolerated, but these predictions have not been confirmed by published functional studies and their clinical significance is uncertain. This variant has not been reported in the literature in individuals with SDHAF2-related conditions. This sequence change replaces threonine with isoleucine at codon 5 of the SDHAF2 protein (p.Thr5Ile). The threonine residue is weakly conserved and there is a moderate physicochemical difference between threonine and isoleucine.

NM_017841.4(SDHAF2):c.14C>T (p.Thr5Ile)

Gene: SDHAF2 (succinate dehydrogenase complex assembly factor 2; plus strand). Cytogenetic location: 11q12.2.
Variant type: single nucleotide variant.
Coding change: c.14C>T on transcript NM_017841.4 (MANE Select); coding-DNA position 14, C replaced by T.
Protein change: p.Thr5Ile; replaces threonine 5 with isoleucine.
Molecular consequence: missense variant.
Genome position (GRCh38, 1-based): chr11:61,430,160, C>T. VCF-style: chr11-61430160-C-T. GRCh37 (hg19) VCF-style: chr11-61197632-C-T.
Other names: short protein forms T5I.
Identifiers: ClinVar variation 960947 (VCV000960947.13), dbSNP rs1861837207, ClinGen allele CA380680138.